The following is an entry in ClinVar:

ClinVar aggregate classification (germline): Uncertain significance (1 of 4 stars; one submission).

Conditions:
Alstrom syndrome (ALMS). Identifiers: Orphanet 64, MedGen C0268425, MONDO:0008763, OMIM 203800.

Submission:

Labcorp Genetics (formerly Invitae), Labcorp
Classification: Uncertain significance for Alstrom syndrome. Last evaluated: 2023-05-11. Review status: criteria provided, single submitter. Criteria: Invitae Variant Classification Sherloc (09022015). Collection method: clinical testing. Allele origin: germline.
Comment: This sequence change replaces histidine, which is basic and polar, with leucine, which is neutral and non-polar, at codon 2822 of the ALMS1 protein (p.His2822Leu). This variant is not present in population databases (gnomAD no frequency). This variant has not been reported in the literature in individuals affected with ALMS1-related conditions. Algorithms developed to predict the effect of missense changes on protein structure and function output the following: SIFT: "Not Available"; PolyPhen-2: "Not Available"; Align-GVGD: "Not Available". The leucine amino acid residue is found in multiple mammalian species, which suggests that this missense change does not adversely affect protein function. In summary, the available evidence is currently insufficient to determine the role of this variant in disease. Therefore, it has been classified as a Variant of Uncertain Significance.

NM_001378454.1(ALMS1):c.8462A>T (p.His2821Leu)

Gene: ALMS1 (ALMS1 centrosome and basal body associated protein; plus strand). Cytogenetic location: 2p13.1.
Variant type: single nucleotide variant.
Coding change: c.8462A>T on transcript NM_001378454.1 (MANE Select); coding-DNA position 8462, A replaced by T.
Protein change: p.His2821Leu; replaces histidine 2821 with leucine.
Molecular consequence: missense variant.
Genome position (GRCh38, 1-based): chr2:73,490,421, A>T. VCF-style: chr2-73490421-A-T. GRCh37 (hg19) VCF-style: chr2-73717548-A-T.
Other names: c.8465A>T, p.His2822Leu (NM_015120.4); short protein forms H2822L, H2821L.
Identifiers: ClinVar variation 3010495 (VCV003010495.3), dbSNP rs1259827695, ClinGen allele CA347268986.
Genomic context (GRCh38, chr2:73,490,421, plus strand): 5'-ATTTTGAGCGTTCTTTTCAAGAAGAAAAACCCTTAGAAAGATCAGATTTTACAGGCAGTC[A>T]TTCTGAGCCCAGTACCAGGGCAAATTGTAGCAATTTCAAGGAAATTCAGATTTCTGATAA-3'
Protein context (NP_001365383.1, residues 2811-2831): PLERSDFTGS[His2821Leu]SEPSTRANCS